The following is an entry in ClinVar:

ClinVar aggregate classification (germline): Pathogenic (1 of 4 stars; one submission).

Conditions:
Polyglucosan body myopathy type 1 (PGBM1). Also called: Polyglucosan body myopathy 1 with or without immunodeficiency; POLYGLUCOSAN BODY MYOPATHY WITHOUT IMMUNODEFICIENCY. Identifiers: Orphanet 329173, Orphanet 397937, MedGen C4014605, MONDO:0014389, OMIM 615895.

Submission:

Labcorp Genetics (formerly Invitae), Labcorp
Classification: Pathogenic for Polyglucosan body myopathy type 1. Last evaluated: 2025-08-25. Review status: criteria provided, single submitter. Criteria: Invitae Variant Classification Sherloc (09022015). Collection method: clinical testing. Allele origin: germline.
Comment: This sequence change creates a premature translational stop signal (p.Gln163*) in the RBCK1 gene. It is expected to result in an absent or disrupted protein product. Loss-of-function variants in RBCK1 are known to be pathogenic (PMID: 2379848, 23104095, 23889995). This variant is not present in population databases (gnomAD no frequency). This variant has not been reported in the literature in individuals affected with RBCK1-related conditions. For these reasons, this variant has been classified as Pathogenic.

Literature cited by the submitters: PubMed 2379848; PubMed 23104095; PubMed 23889995.

NM_031229.4(RBCK1):c.487C>T (p.Gln163Ter)

Gene: RBCK1 (RANBP2-type and C3HC4-type zinc finger containing 1; plus strand). Cytogenetic location: 20p13.
Variant type: single nucleotide variant.
Coding change: c.487C>T on transcript NM_031229.4 (MANE Select); coding-DNA position 487, C replaced by T.
Protein change: p.Gln163Ter; replaces glutamine 163 with a stop codon.
Molecular consequence: nonsense. On other transcripts: synonymous variant (2), non-coding transcript variant (1).
Genome position (GRCh38, 1-based): chr20:419,373, C>T. VCF-style: chr20-419373-C-T. GRCh37 (hg19) VCF-style: chr20-400017-C-T.
Other names: c.138C>T, p.Cys46= (NM_001323956.2, NM_001323958.2); c.538C>T, p.Gln180Ter (NM_001410770.1); c.361C>T, p.Gln121Ter (NM_006462.6); short protein forms Q180*, Q163*, Q121*.
Identifiers: ClinVar variation 4781255 (VCV004781255.1).